The following is an entry in ClinVar:

ClinVar aggregate classification (germline): Likely pathogenic (1 of 4 stars; one submission).

Submission:

GeneDx
Classification: Likely pathogenic. Last evaluated: 2025-06-17. Review status: criteria provided, single submitter. Criteria: GeneDx Variant Classification Process June 2021. Collection method: clinical testing. Allele origin: germline. Affected: yes.
Comment: Frameshift variant predicted to result in protein truncation or nonsense mediated decay in a gene for which loss of function is a known mechanism of disease; Not observed at significant frequency in large population cohorts (gnomAD); Has not been previously published as pathogenic or benign to our knowledge

NM_001048166.1(STIL):c.239del (p.Leu80fs)

Gene: STIL (STIL centriolar assembly protein; minus strand). Cytogenetic location: 1p33.
Variant type: Deletion.
Coding change: c.239del on transcript NM_001048166.1 (MANE Select); coding-DNA position 239, one base deleted (T; older notation c.239delT).
Protein change: p.Leu80fs; shifts the reading frame from leucine 80.
Molecular consequence: frameshift variant.
Genome position (GRCh38, 1-based): chr1:47,302,260, A deleted on the plus strand (T on the coding strand, the reverse complement: STIL is on the minus strand); the first of 5 consecutive A bases (chr1:47,302,260-47,302,264); deleting any one gives the same sequence. VCF-style (leftmost placement, unchanged base first): chr1-47302259-TA-T. GRCh37 (hg19) VCF-style: chr1-47767931-TA-T.
Other names: c.239del, p.Leu80fs (NM_001282936.1, NM_001282937.1, NM_001282938.1 and 3 more transcripts); short protein forms L80fs.
Identifiers: ClinVar variation 4538620 (VCV004538620.1).